The following is an entry in ClinVar:

ClinVar aggregate classification (germline): Uncertain significance (1 of 4 stars; one submission).

Allele frequency attached by ClinVar (database versions not stated): gnomAD exomes below 0.00001.
gnomAD v4.1: 6 of 1,603,026 alleles (0.00037%); highest among the groups gnomAD compares: Non-Finnish European, 0.00043%; no homozygotes.

Submission:

Labcorp Genetics (formerly Invitae), Labcorp
Classification: Uncertain significance. Last evaluated: 2025-11-03. Review status: criteria provided, single submitter. Criteria: Invitae Variant Classification Sherloc (09022015). Collection method: clinical testing. Allele origin: germline.
Comment: This sequence change replaces proline, which is neutral and non-polar, with arginine, which is basic and polar, at codon 225 of the ZCCHC8 protein (p.Pro225Arg). This variant is present in population databases (no rsID available, gnomAD 0.0009%). This variant has not been reported in the literature in individuals affected with ZCCHC8-related conditions. ClinVar contains an entry for this variant (Variation ID: 2053152). Experimental studies and prediction algorithms are not available or were not evaluated, and the functional significance of this variant is currently unknown. In summary, the available evidence is currently insufficient to determine the role of this variant in disease. Therefore, it has been classified as a Variant of Uncertain Significance.

NM_017612.5(ZCCHC8):c.674C>G (p.Pro225Arg)

Gene: ZCCHC8 (zinc finger CCHC-type containing 8; minus strand). Cytogenetic location: 12q24.31.
Variant type: single nucleotide variant.
Coding change: c.674C>G on transcript NM_017612.5 (MANE Select); coding-DNA position 674, C replaced by G.
Protein change: p.Pro225Arg; replaces proline 225 with arginine.
Molecular consequence: missense variant. On other transcripts: 5 prime UTR variant (2), intron variant (1).
Genome position (GRCh38, 1-based): chr12:122,482,693, G>C on the plus strand (C>G on the coding strand, the complement: ZCCHC8 is on the minus strand). VCF-style: chr12-122482693-G-C. GRCh37 (hg19) VCF-style: chr12-122967240-G-C.
Other names: c.377C>G, p.Pro126Arg (NM_001350936.2); c.-41C>G (NM_001350937.2, NM_001350938.2); c.502-606C>G (NM_001350935.2); short protein forms P225R, P126R.
Identifiers: ClinVar variation 2053152 (VCV002053152.4), dbSNP rs942674499, ClinGen allele CA244755737.